The following is an entry in ClinVar:

ClinVar aggregate classification (germline): Pathogenic. Review status: criteria provided, multiple submitters, no conflicts (2 of 4 stars). 4 submissions from 4 submitters: Pathogenic (4). Last evaluated 2024-07-10.

Conditions:
IQCB1-related disorder. Also called: IQCB1-related condition.
Nephronophthisis. Also called: Juvenile Nephronophthisis. Identifiers: Orphanet 655, MedGen C0687120, MONDO:0019005, HP:0000090.
Senior-Loken syndrome 5 (SLSN5). Identifiers: Orphanet 3156, MedGen C1836517, MONDO:0012225, OMIM 609254.

Allele frequency attached by ClinVar (database versions not stated): gnomAD exomes 0.00001.
gnomAD v4.1: 9 of 1,614,160 alleles (0.00056%); highest among the groups gnomAD compares: East Asian, 0.0022%; no homozygotes.

Submissions (4):

Dr.Nikuei Genetic Center
Classification: Pathogenic for Senior-Loken syndrome 5. Last evaluated: 2024-07-10. Review status: criteria provided, single submitter. Criteria: ACMG Guidelines, 2015. Collection method: clinical testing. Allele origin: germline. Affected: yes.

Fulgent Genetics
Classification: Pathogenic for Senior-Loken syndrome 5. Last evaluated: 2024-02-07. Review status: criteria provided, single submitter. Criteria: ACMG Guidelines, 2015. Collection method: clinical testing. Allele origin: germline.

Labcorp Genetics (formerly Invitae), Labcorp
Classification: Pathogenic for Nephronophthisis. Last evaluated: 2018-05-01. Review status: criteria provided, single submitter. Criteria: Invitae Variant Classification Sherloc (09022015). Collection method: clinical testing. Allele origin: germline.
Comment: This variant is not present in population databases (ExAC no frequency). This sequence change creates a premature translational stop signal (p.Arg502*) in the IQCB1 gene. It is expected to result in an absent or disrupted protein product. This variant has been observed in an individual and several families affected with nephronophitis and retinal dystrophy (PMID: 20881296, 25851290). The IQCB1 gene is also known as NPHP5 in the literature. Loss-of-function variants in IQCB1 are known to be pathogenic (PMID: 15723066, 21866095). For these reasons, this variant has been classified as Pathogenic.

Blueprint Genetics
Classification: Pathogenic for IQCB1-related disorders. Last evaluated: 2017-11-24. Review status: criteria provided, single submitter. Criteria: ACMG Guidelines, 2015. Collection method: clinical testing. Allele origin: germline. Affected: yes. Observed: 1 variant allele.

Literature cited by the submitters: PubMed 20881296 (cited by Labcorp Genetics (formerly Invitae), Labcorp); PubMed 25851290 (cited by Labcorp Genetics (formerly Invitae), Labcorp); PubMed 15723066 (cited by Labcorp Genetics (formerly Invitae), Labcorp); PubMed 21866095 (cited by Labcorp Genetics (formerly Invitae), Labcorp).

NM_001023570.4(IQCB1):c.1504C>T (p.Arg502Ter)

Gene: IQCB1 (IQ motif containing B1; minus strand). Cytogenetic location: 3q13.33.
Variant type: single nucleotide variant.
Coding change: c.1504C>T on transcript NM_001023570.4 (MANE Select); coding-DNA position 1504, C replaced by T.
Protein change: p.Arg502Ter; replaces arginine 502 with a stop codon.
Molecular consequence: nonsense. On other transcripts: non-coding transcript variant (1).
Genome position (GRCh38, 1-based): chr3:121,772,620, G>A on the plus strand (C>T on the coding strand, the complement: IQCB1 is on the minus strand). VCF-style: chr3-121772620-G-A. GRCh37 (hg19) VCF-style: chr3-121491467-G-A.
Other names: c.1105C>T, p.Arg369Ter (NM_001023571.4); c.1504C>T, p.Arg502Ter (NM_001319107.2); short protein forms R502*, R369*.
Identifiers: ClinVar variation 569196 (VCV000569196.16), dbSNP rs1280238814, ClinGen allele CA354109989.